The following is an entry in ClinVar:

ClinVar aggregate classification (germline): Pathogenic. Review status: criteria provided, multiple submitters, no conflicts (2 of 4 stars). 2 submissions from 2 submitters: Pathogenic (2). Last evaluated 2025-02-25.

Conditions:
Ehlers-Danlos syndrome, classic type, 1 (EDSCL1). Also called: EHLERS-DANLOS SYNDROME, GRAVIS TYPE; EHLERS-DANLOS SYNDROME, SEVERE CLASSIC TYPE; Ehlers-Danlos syndrome, type 1; Ehlers-Danlos Syndrome, Classic Type, COL5A1-Related; EDS I. Identifiers: MedGen C0268335, MONDO:0019567, OMIM 130000.
Osteogenesis imperfecta type I (OI1). Also called: OI, TYPE I; OSTEOGENESIS IMPERFECTA TARDA; OSTEOGENESIS IMPERFECTA WITH BLUE SCLERAE; Osteogenesis imperfecta type 1; Lobstein's Disease; Lobstein disease. Identifiers: Orphanet 216796, Orphanet 666, MedGen C0023931, MONDO:0008146, OMIM 166200. Disease mechanism: loss of function.

Submissions (2):

Labcorp Genetics (formerly Invitae), Labcorp
Classification: Pathogenic for Osteogenesis imperfecta type I; Ehlers-Danlos syndrome, classic type, 1. Last evaluated: 2025-02-25. Review status: criteria provided, single submitter. Criteria: Invitae Variant Classification Sherloc (09022015). Collection method: clinical testing. Allele origin: germline.
Comment: This sequence change replaces glycine, which is neutral and non-polar, with glutamic acid, which is acidic and polar, at codon 268 of the COL1A2 protein (p.Gly268Glu). This variant is not present in population databases (gnomAD no frequency). This missense change has been observed in individual(s) with autosomal dominant osteogenesis imperfecta (PMID: 27509835). ClinVar contains an entry for this variant (Variation ID: 3573482). Invitae Evidence Modeling of protein sequence and biophysical properties (such as structural, functional, and spatial information, amino acid conservation, physicochemical variation, residue mobility, and thermodynamic stability) indicates that this missense variant is expected to disrupt COL1A2 protein function with a positive predictive value of 95%. This variant disrupts the triple helix domain of COL1A2. Glycine residues within the Gly-Xaa-Yaa repeats of the triple helix domain are required for the structure and stability of fibrillar collagens (PMID: 7695699, 8218237, 19344236). In COL1A2, variants affecting these glycine residues are significantly enriched in individuals with disease (PMID: 9016532, 17078022) compared to the general population (ExAC). This variant disrupts the p.Gly268 amino acid residue in COL1A2. Other variant(s) that disrupt this residue have been observed in individuals with COL1A2-related conditions (PMID: 27509835, 30715774, 36709916), which suggests that this may be a clinically significant amino acid residue. For these reasons, this variant has been classified as Pathogenic.

GeneDx
Classification: Pathogenic. Last evaluated: 2024-07-17. Review status: criteria provided, single submitter. Criteria: GeneDx Variant Classification Process June 2021. Collection method: clinical testing. Allele origin: germline. Affected: yes.
Comment: Reported in an individual with a diagnosis of osteogenesis imperfecta type IV in the published literature (PMID: 27509835); Occurs in the triple helical domain and replaces a glycine in a canonical Gly-X-Y repeat; missense substitution of a canonical glycine residue is expected to disrupt normal protein folding and function, and this is an established mechanism of disease (PMID: 34007986); Not observed at significant frequency in large population cohorts (gnomAD); In silico analysis supports that this missense variant has a deleterious effect on protein structure/function; This variant is associated with the following publications: (PMID: 34007986, 27509835)

Literature cited by the submitters: PubMed 27509835 (cited by Labcorp Genetics (formerly Invitae), Labcorp); PubMed 7695699 (cited by Labcorp Genetics (formerly Invitae), Labcorp); PubMed 8218237 (cited by Labcorp Genetics (formerly Invitae), Labcorp); PubMed 19344236 (cited by Labcorp Genetics (formerly Invitae), Labcorp); PubMed 9016532 (cited by Labcorp Genetics (formerly Invitae), Labcorp); PubMed 17078022 (cited by Labcorp Genetics (formerly Invitae), Labcorp); PubMed 30715774 (cited by Labcorp Genetics (formerly Invitae), Labcorp); PubMed 36709916 (cited by Labcorp Genetics (formerly Invitae), Labcorp).

NM_000089.4(COL1A2):c.803G>A (p.Gly268Glu)

Gene: COL1A2 (collagen type I alpha 2 chain; plus strand). Cytogenetic location: 7q21.3.
Variant type: single nucleotide variant.
Coding change: c.803G>A on transcript NM_000089.4 (MANE Select); coding-DNA position 803, G replaced by A.
Protein change: p.Gly268Glu; replaces glycine 268 with glutamic acid.
Molecular consequence: missense variant.
Genome position (GRCh38, 1-based): chr7:94,409,332, G>A. VCF-style: chr7-94409332-G-A. GRCh37 (hg19) VCF-style: chr7-94038644-G-A.
Other names: short protein forms G268E.
Identifiers: ClinVar variation 3573482 (VCV003573482.2).
Genomic context (GRCh38, chr7:94,409,332, plus strand): 5'-GCTGTTTCATTATTTGCTGGTTAATTCCTTGGTTTAATTTCCTCTTTTAGGGTGAAATTG[G>A]AGCTGTTGGTAACGCTGGTCCTGCTGGTCCCGCCGGTCCCCGTGGTGAAGTGGGTCTTCC-3'
Protein context (NP_000080.2, residues 258-278): PGAPGPKGEI[Gly268Glu]AVGNAGPAGP